The following is an entry in ClinVar:

ClinVar aggregate classification (germline): Conflicting classifications of pathogenicity. Review status: criteria provided, conflicting classifications (1 of 4 stars). 2 submissions from 2 submitters: Uncertain significance (1); Likely benign (1). Last evaluated 2026-01-29.

Conditions:
COL18A1-related disorder. Also called: COL18A1-related disorders; COL18A1-related condition.

Allele frequency attached by ClinVar (database versions not stated): gnomAD 0.00001.
gnomAD v4.1: 7 of 1,614,004 alleles (0.00043%); highest among the groups gnomAD compares: South Asian, 0.0066%; no homozygotes.

Submissions (2):

PreventionGenetics, part of Exact Sciences
Classification: Likely benign for COL18A1-related condition. Last evaluated: 2026-01-29. Review status: criteria provided, single submitter. Criteria: ACMG Guidelines, 2015. Collection method: clinical testing. Allele origin: germline.
Comment: This variant is classified as likely benign based on ACMG/AMP sequence variant interpretation guidelines (Richards et al. 2015 PMID: 25741868, with internal and published modifications).

Labcorp Genetics (formerly Invitae), Labcorp
Classification: Uncertain significance. Last evaluated: 2022-04-15. Review status: criteria provided, single submitter. Criteria: Invitae Variant Classification Sherloc (09022015). Collection method: clinical testing. Allele origin: germline.
Comment: This sequence change falls in intron 12 of the COL18A1 gene. It does not directly change the encoded amino acid sequence of the COL18A1 protein. It affects a nucleotide within the consensus splice site. This variant is present in population databases (rs748096473, gnomAD 0.01%). This variant has not been reported in the literature in individuals affected with COL18A1-related conditions. Variants that disrupt the consensus splice site are a relatively common cause of aberrant splicing (PMID: 17576681, 9536098). Experimental studies and prediction algorithms are not available or were not evaluated, and the effect of this variant on mRNA splicing is currently unknown. In summary, the available evidence is currently insufficient to determine the role of this variant in disease. Therefore, it has been classified as a Variant of Uncertain Significance.

Literature cited by the submitters: PubMed 17576681 (cited by Labcorp Genetics (formerly Invitae), Labcorp); PubMed 9536098 (cited by Labcorp Genetics (formerly Invitae), Labcorp).

NM_001379500.1(COL18A1):c.1452+3G>A

Gene: COL18A1 (collagen type XVIII alpha 1 chain; plus strand). Cytogenetic location: 21q22.3.
Variant type: single nucleotide variant.
Coding change: c.1452+3G>A on transcript NM_001379500.1 (MANE Select); 3 bases into the intron after coding-DNA position 1452, G replaced by A.
Molecular consequence: intron variant.
Genome position (GRCh38, 1-based): chr21:45,480,523, G>A. VCF-style: chr21-45480523-G-A. GRCh37 (hg19) VCF-style: chr21-46900437-G-A.
Other names: c.1992+3G>A (NM_030582.3, NM_030582.4); c.2697+3G>A (NM_130444.3).
Identifiers: ClinVar variation 1950035 (VCV001950035.3), dbSNP rs748096473, ClinGen allele CA10066324.
Genomic context (GRCh38, chr21:45,480,523, plus strand): 5'-TCAGACCTTCATTGACATGGAGGGATCTGGCTTCGGGGGCGATCTGGAGGCCCTGCGGGT[G>A]AGTGGCCCTTAAACTGCAGCGCTGCCCGATGTCTGTGCCCATGAGGAACAGGCCATGGAC-3'